The following is an entry in ClinVar:

NM_001365999.1(SZT2):c.7974+5A>G

Gene: SZT2 (SZT2 subunit of KICSTOR complex; plus strand). Cytogenetic location: 1p34.2.
Variant type: single nucleotide variant.
Coding change: c.7974+5A>G on transcript NM_001365999.1 (MANE Select); 5 bases into the intron after coding-DNA position 7974, A replaced by G.
Molecular consequence: intron variant.
Genome position (GRCh38, 1-based): chr1:43,442,373, A>G. VCF-style: chr1-43442373-A-G. GRCh37 (hg19) VCF-style: chr1-43908044-A-G.
Other names: c.7803+5A>G (NM_015284.4).
Identifiers: ClinVar variation 1043012 (VCV001043012.4), dbSNP rs1219183575, ClinGen allele CA522806489.
Genomic context (GRCh38, chr1:43,442,373, plus strand): 5'-CAGGGCGAAATGCTCCCCGGCAGAGGCTCTTGCTACTAGAGGTTGTGGACAAGAAGGTAA[A>G]TATGGGGCCAGGGACTGGGTGGGAAGAGGGGTTCCGTGATCTCACTGACCCTGACCCCCG-3'

ClinVar aggregate classification (germline): Uncertain significance (1 of 4 stars; one submission).

Allele frequency attached by ClinVar (database versions not stated): gnomAD exomes below 0.00001.

Submission:

Labcorp Genetics (formerly Invitae), Labcorp
Classification: Uncertain significance. Last evaluated: 2022-02-04. Review status: criteria provided, single submitter. Criteria: Invitae Variant Classification Sherloc (09022015). Collection method: clinical testing. Allele origin: germline.
Comment: This sequence change falls in intron 56 of the SZT2 gene. It does not directly change the encoded amino acid sequence of the SZT2 protein. It affects a nucleotide within the consensus splice site. This variant is present in population databases (no rsID available, gnomAD no frequency). This variant has not been reported in the literature in individuals affected with SZT2-related conditions. ClinVar contains an entry for this variant (Variation ID: 1043012). Variants that disrupt the consensus splice site are a relatively common cause of aberrant splicing (PMID: 17576681, 9536098). Algorithms developed to predict the effect of sequence changes on RNA splicing suggest that this variant may create or strengthen a splice site. In summary, the available evidence is currently insufficient to determine the role of this variant in disease. Therefore, it has been classified as a Variant of Uncertain Significance.

Literature cited by the submitters: PubMed 17576681; PubMed 9536098.